The following is an entry in ClinVar:

ClinVar aggregate classification (germline): Likely pathogenic (0 of 4 stars; one submission).

Conditions:
Hereditary pancreatitis (PCTT). Also called: Hereditary chronic pancreatitis; PRSS1-Related Hereditary Pancreatitis. Identifiers: Orphanet 676, MedGen C0238339, MONDO:0008185, OMIM 167800.

Allele frequency attached by ClinVar (database versions not stated): 1000 Genomes Project 30x 0.02983.

Submission:

Forschungslabor Klinik Innere Medizin A University Medicine Greifswald
Classification: Likely pathogenic for Hereditary pancreatitis. Review status: no assertion criteria provided. Collection method: not provided. Allele origin: inherited.
Comment: Result of a ~70bp gene conversion between PRSS1 and PRSS3P2, giving rise to a triple mutant cationic Trypsinogen (p.S115T/p.R116P/p.R122H). The single p.R116P mutant cationic Trypsinogen shows increased secretion from transfected HEK-293T cells.
ClinVar note: Converted during submission from probable-pathogenic to Likely pathogenic.

NM_002769.5(PRSS1):c.347G>C (p.Arg116Pro)

Genes: PRSS1 (serine protease 1; plus strand), TRB (T cell receptor beta locus; plus strand). Cytogenetic location: 7q34.
Variant type: single nucleotide variant.
Coding change: c.347G>C on transcript NM_002769.5 (MANE Select); coding-DNA position 347, G replaced by C.
Protein change: p.Arg116Pro; replaces arginine 116 with proline.
Molecular consequence: missense variant.
Genome position (GRCh38, 1-based): chr7:142,751,920, G>C. VCF-style: chr7-142751920-G-C. GRCh37 (hg19) VCF-style: chr7-142459771-G-C.
Other names: short protein forms R116P.
Identifiers: ClinVar variation 161986 (VCV000161986.2), dbSNP rs199769221, ClinGen allele CA273019.